The following is an entry in ClinVar:

NM_007074.4(CORO1A):c.514C>G (p.Pro172Ala)

Gene: CORO1A (coronin 1A; plus strand). Cytogenetic location: 16p11.2.
Variant type: single nucleotide variant.
Coding change: c.514C>G on transcript NM_007074.4 (MANE Select); coding-DNA position 514, C replaced by G.
Protein change: p.Pro172Ala; replaces proline 172 with alanine.
Molecular consequence: missense variant.
Genome position (GRCh38, 1-based): chr16:30,187,101, C>G. VCF-style: chr16-30187101-C-G. GRCh37 (hg19) VCF-style: chr16-30198422-C-G.
Other names: c.514C>G, p.Pro172Ala (NM_001193333.3); short protein forms P172A.
Identifiers: ClinVar variation 1402268 (VCV001402268.6), dbSNP rs1160891433, ClinGen allele CA395494204.
Genomic context (GRCh38, chr16:30,187,101, plus strand): 5'-TGTGACAACGTGATCATGGTGTGGGACGTGGGCACTGGGGCGGCCATGCTGACACTGGGC[C>G]CAGAGGTGCACCCAGACACGATCTACAGTGTGGACTGGAGCCGAGATGGAGGCCTCATTT-3'
Protein context (NP_009005.1, residues 162-182): GTGAAMLTLG[Pro172Ala]EVHPDTIYSV

ClinVar aggregate classification (germline): Uncertain significance (1 of 4 stars; one submission).

Conditions:
Severe combined immunodeficiency due to CORO1A deficiency. Also called: IMMUNODEFICIENCY 8 WITH LYMPHOPROLIFERATION; Immunodeficiency 8. Identifiers: Orphanet 228003, MedGen C3809383, MONDO:0014168, OMIM 615401.

Allele frequency attached by ClinVar (database versions not stated): gnomAD exomes below 0.00001; TOPMed below 0.00001; gnomAD 0.00001.
gnomAD v4.1: 5 of 1,613,882 alleles (0.00031%); highest among the groups gnomAD compares: Non-Finnish European, 0.00034%; no homozygotes.

Submission:

Labcorp Genetics (formerly Invitae), Labcorp
Classification: Uncertain significance for Severe combined immunodeficiency due to CORO1A deficiency. Last evaluated: 2024-10-16. Review status: criteria provided, single submitter. Criteria: Invitae Variant Classification Sherloc (09022015). Collection method: clinical testing. Allele origin: germline.
Comment: This sequence change replaces proline, which is neutral and non-polar, with alanine, which is neutral and non-polar, at codon 172 of the CORO1A protein (p.Pro172Ala). This variant is present in population databases (no rsID available, gnomAD 0.007%). This variant has not been reported in the literature in individuals affected with CORO1A-related conditions. ClinVar contains an entry for this variant (Variation ID: 1402268). An algorithm developed to predict the effect of missense changes on protein structure and function outputs the following: PolyPhen-2: "Benign". The alanine amino acid residue is found in multiple mammalian species, which suggests that this missense change does not adversely affect protein function. In summary, the available evidence is currently insufficient to determine the role of this variant in disease. Therefore, it has been classified as a Variant of Uncertain Significance.